The following is an entry in ClinVar:

ClinVar aggregate classification (germline): Likely benign. Review status: criteria provided, multiple submitters, no conflicts (2 of 4 stars). 3 submissions from 3 submitters: Likely benign (3). Last evaluated 2025-12-21.

Conditions:
Alagille syndrome due to a JAG1 point mutation. Also called: Alagille Syndrome 1; JAG1-Related Alagille Syndrome; HEPATIC DUCTULAR HYPOPLASIA, SYNDROMATIC. Identifiers: Orphanet 261619, Orphanet 52, MedGen C1956125, MONDO:0016862, OMIM 118450.
Cardiovascular phenotype. Identifiers: MedGen CN230736.

Allele frequency attached by ClinVar (database versions not stated): gnomAD exomes below 0.00001; gnomAD 0.00001; TOPMed 0.00001.
gnomAD v4.1: 3 of 1,614,040 alleles (0.00019%); highest among the groups gnomAD compares: Non-Finnish European, 0.00025%; no homozygotes.

Submissions (3):

Ambry Genetics
Classification: Likely benign for Cardiovascular phenotype. Last evaluated: 2025-12-21. Review status: criteria provided, single submitter. Criteria: Ambry Variant Classification Scheme 2023. Collection method: clinical testing. Allele origin: germline.

Labcorp Genetics (formerly Invitae), Labcorp
Classification: Likely benign for Alagille syndrome due to a JAG1 point mutation. Last evaluated: 2023-03-11. Review status: criteria provided, single submitter. Criteria: Invitae Variant Classification Sherloc (09022015). Collection method: clinical testing. Allele origin: germline.

GeneDx
Classification: Likely benign. Last evaluated: 2018-04-16. Review status: criteria provided, single submitter. Criteria: GeneDx Variant Classification (06012015). Collection method: clinical testing. Allele origin: germline. Affected: yes.
Comment: This variant is considered likely benign or benign based on one or more of the following criteria: it is a conservative change, it occurs at a poorly conserved position in the protein, it is predicted to be benign by multiple in silico algorithms, and/or has population frequency not consistent with disease.

NM_000214.3(JAG1):c.3291G>C (p.Arg1097=)

Gene: JAG1 (jagged canonical Notch ligand 1; minus strand). Cytogenetic location: 20p12.2.
Variant type: single nucleotide variant.
Coding change: c.3291G>C on transcript NM_000214.3 (MANE Select); coding-DNA position 3291, G replaced by C.
Protein change: p.Arg1097=; no amino-acid change (arginine 1097 retained).
Molecular consequence: synonymous variant.
Genome position (GRCh38, 1-based): chr20:10,639,864, C>G on the plus strand (G>C on the coding strand, the complement: JAG1 is on the minus strand). VCF-style: chr20-10639864-C-G. GRCh37 (hg19) VCF-style: chr20-10620512-C-G.
Identifiers: ClinVar variation 681476 (VCV000681476.6), dbSNP rs1600177787, ClinGen allele CA509816537.